The following is an entry in ClinVar:

ClinVar aggregate classification (germline): Uncertain significance (1 of 4 stars; one submission).

Submission:

Labcorp Genetics (formerly Invitae), Labcorp
Classification: Uncertain significance. Last evaluated: 2022-08-06. Review status: criteria provided, single submitter. Criteria: Invitae Variant Classification Sherloc (09022015). Collection method: clinical testing. Allele origin: germline.
Comment: In summary, the available evidence is currently insufficient to determine the role of this variant in disease. Therefore, it has been classified as a Variant of Uncertain Significance. Algorithms developed to predict the effect of missense changes on protein structure and function (SIFT, PolyPhen-2, Align-GVGD) all suggest that this variant is likely to be disruptive. This variant has not been reported in the literature in individuals affected with ACVR1-related conditions. This variant is not present in population databases (gnomAD no frequency). This sequence change replaces asparagine, which is neutral and polar, with isoleucine, which is neutral and non-polar, at codon 231 of the ACVR1 protein (p.Asn231Ile).

NM_001111067.4(ACVR1):c.692A>T (p.Asn231Ile)

Gene: ACVR1 (activin A receptor type 1; minus strand). Cytogenetic location: 2q24.1.
Variant type: single nucleotide variant.
Coding change: c.692A>T on transcript NM_001111067.4 (MANE Select); coding-DNA position 692, A replaced by T.
Protein change: p.Asn231Ile; replaces asparagine 231 with isoleucine.
Molecular consequence: missense variant.
Genome position (GRCh38, 1-based): chr2:157,770,466, T>A on the plus strand (A>T on the coding strand, the complement: ACVR1 is on the minus strand). VCF-style: chr2-157770466-T-A. GRCh37 (hg19) VCF-style: chr2-158626978-T-A.
Other names: c.692A>T, p.Asn231Ile (NM_001105.5, NM_001347663.1, NM_001347664.1 and 3 more transcripts); short protein forms N231I.
Identifiers: ClinVar variation 2022152 (VCV002022152.4), dbSNP rs2467942047, ClinGen allele CA349191491.